The following is an entry in ClinVar:

NM_000038.6(APC):c.5009C>T (p.Ala1670Val)

Gene: APC (APC regulator of Wnt signaling pathway; plus strand). Cytogenetic location: 5q22.2.
Variant type: single nucleotide variant.
Coding change: c.5009C>T on transcript NM_000038.6 (MANE Select); coding-DNA position 5009, C replaced by T.
Protein change: p.Ala1670Val; replaces alanine 1670 with valine.
Molecular consequence: missense variant.
Genome position (GRCh38, 1-based): chr5:112,840,603, C>T. VCF-style: chr5-112840603-C-T. GRCh37 (hg19) VCF-style: chr5-112176300-C-T.
Other names: c.5009C>T, p.Ala1670Val (NM_001127510.3, NM_001354895.2); c.4955C>T, p.Ala1652Val (NM_001127511.3); c.5063C>T, p.Ala1688Val (NM_001354896.2); c.5039C>T, p.Ala1680Val (NM_001354897.2); c.4934C>T, p.Ala1645Val (NM_001354898.2); c.4925C>T, p.Ala1642Val (NM_001354899.2); c.4886C>T, p.Ala1629Val (NM_001354900.2); c.4832C>T, p.Ala1611Val (NM_001354901.2); and 5 more; short protein forms A1670V, A1652V, A1510V, A1544V, A1629V, A1642V, A1645V, A1680V.
Identifiers: ClinVar variation 135705 (VCV000135705.90), dbSNP rs202228932, ClinGen allele CA009818.

ClinVar aggregate classification (germline): Conflicting classifications of pathogenicity. Review status: criteria provided, conflicting classifications (1 of 4 stars). 18 submissions from 18 submitters: Uncertain significance (3); Likely benign (13). 2 of the submissions do not count toward it. Last evaluated 2026-02-03.

Conditions:
APC-related disorder. Also called: APC-related condition.
Hereditary cancer-predisposing syndrome. Also called: Tumor predisposition; Hereditary neoplastic syndrome; Hereditary Cancer Syndrome; Neoplastic Syndromes, Hereditary. Identifiers: Orphanet 140162, MedGen C0027672, MeSH D009386, MONDO:0015356.
Familial adenomatous polyposis 1 (FAP1). Also called: POLYPOSIS, ADENOMATOUS INTESTINAL; FAMILIAL ADENOMATOUS POLYPOSIS 1, ATTENUATED. Identifiers: MedGen C2713442, MONDO:0021056, OMIM 175100. Disease mechanism: loss of function.
Carcinoma of colon (CRC). Also called: Colon carcinoma; Colonic carcinoma. Identifiers: MedGen C0699790, MONDO:0002032.

Allele frequency attached by ClinVar (database versions not stated): ESP Exome Variant Server 0.00008; TOPMed 0.00013; gnomAD exomes 0.00016 and 0.00028; ExAC 0.00017; gnomAD 0.00017 and 0.00018.
gnomAD v4.1: 430 of 1,613,946 alleles (0.027%); highest among the groups gnomAD compares: Non-Finnish European, 0.034%; no homozygotes.

Submissions (18):

Labcorp Genetics (formerly Invitae), Labcorp
Classification: Likely benign for Familial adenomatous polyposis 1. Last evaluated: 2026-02-03. Review status: criteria provided, single submitter. Criteria: Invitae Variant Classification Sherloc (09022015). Collection method: clinical testing. Allele origin: germline.

Mayo Clinic Laboratories, Mayo Clinic
Classification: Likely benign. Last evaluated: 2025-08-26. Review status: criteria provided, single submitter. Criteria: ACMG Guidelines, 2015. Collection method: clinical testing. Allele origin: germline. Observed: 2 variant alleles.
Comment: BS1, BP1

Mendelics
Classification: Likely benign for Familial adenomatous polyposis 1. Last evaluated: 2025-06-23. Review status: criteria provided, single submitter. Criteria: ACMG Guidelines, 2015. Collection method: clinical testing. Allele origin: unknown.
Comment: This variant is considered likely benign or benign based on one or more of the following: it is predicted to be benign by multiple in silico algorithms, and/or has population frequency not consistent with disease, and/or has normal protein function, and/or has lack of segregation with disease, and/or has been detected in co-occurrence with known pathogenic variant, and/or has lack of disease association in case-control studies, and/or is located in a region inconsistent with a known cause of pathogenicity.

Center for Genomic Medicine, Rigshospitalet, Copenhagen University Hospital
Classification: Likely benign. Last evaluated: 2025-03-04. Review status: criteria provided, single submitter. Criteria: ACMG Guidelines, 2015. Collection method: clinical testing. Allele origin: germline.

PreventionGenetics, part of Exact Sciences
Classification: Likely benign for APC-related condition. Last evaluated: 2025-02-06. Review status: criteria provided, single submitter. Criteria: ACMG Guidelines, 2015. Collection method: clinical testing. Allele origin: germline.
Comment: This variant is classified as likely benign based on ACMG/AMP sequence variant interpretation guidelines (Richards et al. 2015 PMID: 25741868, with internal and published modifications).

Myriad Genetics, Inc.
Classification: Likely benign for Familial adenomatous polyposis 1. Last evaluated: 2025-02-04. Review status: criteria provided, single submitter. Criteria: Myriad Autosomal Dominant, Autosomal Recessive and X-Linked Classification Criteria (2023). Collection method: clinical testing. Allele origin: unknown.
Comment: This variant is considered likely benign. This variant has been observed at a population frequency that is significantly greater than expected given the associated disease prevalence and penetrance.

Color Diagnostics, LLC DBA Color Health
Classification: Likely benign for Hereditary cancer-predisposing syndrome. Last evaluated: 2024-09-18. Review status: criteria provided, single submitter. Criteria: ACMG Guidelines, 2015. Collection method: clinical testing. Allele origin: germline.

Blueprint Genetics
Classification: Likely benign. Last evaluated: 2023-12-15. Review status: criteria provided, single submitter. Criteria: ACMG Guidelines, 2015. Collection method: clinical testing. Allele origin: germline.

Institute for Biomarker Research, Medical Diagnostic Laboratories, L.L.C.
Classification: Uncertain significance for Hereditary cancer-predisposing syndrome. Last evaluated: 2023-10-31. Review status: criteria provided, single submitter. Criteria: ACMG Guidelines, 2015. Collection method: clinical testing. Allele origin: germline.

Quest Diagnostics Nichols Institute San Juan Capistrano
Classification: Likely benign. Last evaluated: 2022-10-24. Review status: criteria provided, single submitter. Criteria: Quest Diagnostics criteria. Collection method: clinical testing. Allele origin: unknown.

Genetic Services Laboratory, University of Chicago
Classification: Uncertain significance. Last evaluated: 2021-11-19. Review status: criteria provided, single submitter. Criteria: ACMG Guidelines, 2015. Collection method: clinical testing. Allele origin: germline. Affected: no.
Comment: DNA sequence analysis of the APC gene demonstrated a sequence change, c.5009C>T, in exon 16 that results in an amino acid change, p.Ala1670Val. This sequence change has been described in the gnomAD database with a frequency of 0.033% in the non-Finnish European subpopulation (dbSNP rs202228932). The p.Ala1670Val change affects a highly conserved amino acid residue located in a domain of the APC protein that is not known to be functional. The p.Ala1670Val substitution appears to be benign using several in-silico pathogenicity prediction tools (SIFT, PolyPhen2, Align GVGD, REVEL). This sequence change has been previously described in an individual with multiple adenomas (PMID: 27705013). Due to insufficient evidence and the lack of functional studies, the clinical significance of the p.Ala1670Val change remains unknown at this time.

Sema4
Classification: Likely benign for Hereditary cancer-predisposing syndrome. Last evaluated: 2021-08-10. Review status: criteria provided, single submitter. Criteria: Sema4 Curation Guidelines. Collection method: curation. Allele origin: germline.

GeneDx
Classification: Likely benign. Last evaluated: 2020-11-20. Review status: criteria provided, single submitter. Criteria: GeneDx Variant Classification Process June 2021. Collection method: clinical testing. Allele origin: germline. Affected: yes.
Comment: This variant is associated with the following publications: (PMID: 25991819, 26336887, 26207792, 28502729, 27705013, 28944238, 30680046)

Women's Health and Genetics/Laboratory Corporation of America, LabCorp
Classification: Likely benign. Last evaluated: 2019-02-22. Review status: criteria provided, single submitter. Criteria: LabCorp Variant Classification Summary - May 2015. Collection method: clinical testing. Allele origin: germline.
Comment: Variant summary: APC c.5009C>T (p.Ala1670Val) results in a non-conservative amino acid change in the encoded protein sequence. Three of five in-silico tools predict a benign effect of the variant on protein function. The variant allele was found at a frequency of 0.00017 in 281640 control chromosomes, predominantly at a frequency of 0.00033 within the Non-Finnish European subpopulation in the gnomAD database. The observed variant frequency within Non-Finnish European control individuals in the gnomAD database is approximately 4.6 fold of the estimated maximal expected allele frequency for a pathogenic variant in APC causing Familial Adenomatous Polyposis phenotype (7.1e-05), strongly suggesting that the variant is a benign polymorphism found primarily in populations of Non-Finnish European origin. This variant has been reported in individuals affected with-, or a clinical history suggestive of, adenomatous polyposis or early-onset colorectal cancer (Marabelli 2016, DeRycke 2017, Rey 2017, Henn 2019), and also found in individuals affected with- or undergoing testing for other tumor phenotypes (Lincoln 2015, Zhang 2015); however without strong evidence for causality (i.e. no co-segregation data were provided). These reports thus do not provide unequivocal conclusions about association of the variant with Familial Adenomatous Polyposis. To our knowledge, no experimental evidence demonstrating an impact on protein function has been reported. Six other clinical diagnostic laboratories have submitted clinical-significance assessments for this variant to ClinVar after 2014 without evidence for independent evaluation. Based on the evidence outlined above, the variant was classified as likely benign.

CeGaT Center for Human Genetics Tuebingen
Classification: Uncertain significance. Last evaluated: 2019-01-01. Review status: criteria provided, single submitter. Criteria: CeGaT Center For Human Genetics Tuebingen Variant Classification Criteria Version 2. Collection method: clinical testing. Allele origin: germline. Affected: yes. Observed: 1 variant allele.

Ambry Genetics
Classification: Likely benign for Hereditary cancer-predisposing syndrome. Last evaluated: 2018-12-28. Review status: criteria provided, single submitter. Criteria: Ambry Variant Classification Scheme 2023. Collection method: clinical testing. Allele origin: germline.

Counsyl
Classification: Uncertain significance for Familial adenomatous polyposis 1. Last evaluated: 2017-11-21. Review status: no assertion criteria provided. Collection method: clinical testing. Allele origin: unknown. Not counted in ClinVar's aggregate classification.

Department of Pathology and Laboratory Medicine, Sinai Health System
Classification: Likely benign for Carcinoma of colon. Review status: no assertion criteria provided. Collection method: clinical testing. Allele origin: unknown. Affected: yes. Study: The Canadian Open Genetics Repository (COGR). Not counted in ClinVar's aggregate classification.
Comment: The APC p.Ala1670Val variant was not identified in the literature nor was it identified in the Genesight-COGR, Cosmic, Zhejiang Colon Cancer Database, databases. The variant was identified in dbSNP (ID: rs202228932) â€šÃ„ÃºWith Uncertain significance alleleâ€šÃ„Ã¹, ClinVar (classified with conflicting interpretations of pathogenicity; submitters: likely benign by Ambry Genetics and uncertain significance by Invitae, GeneDx and Department of Pathology and Laboratory Medicine (Sinai Health System)), Clinvitae (3x), Insight Colon Cancer Gene Variant Database (1X), and in control databases in 48 of 275942 chromosomes at a frequency of 0.0002 increasing the likelihood that this may be a low frequency benign variant in certain populations of origin (Genome Aggregation Consortium Feb 27, 2017), being identified in the following populations: European Non-Finnish in 41 of 125686 chromosomes (frequency: 0.0003) and European Finnish in 7 of 25768 chromosomes (frequency: 0.0003). The p.Ala1670 residue is conserved in mammals but not in more distantly related organisms however four out of five computational analyses (PolyPhen-2, SIFT, AlignGVGD, BLOSUM, MutationTaster) do not suggest a high likelihood of the Val variant impacting the protein; this information is not predictive enough to rule out pathogenicity. The variant occurs outside of the splicing consensus sequence and in silico or computational prediction software programs (SpliceSiteFinder, MaxEntScan, NNSPLICE, GeneSplicer, HumanSpliceFinder) do not predict a difference in splicing. In summary, based on the above information the clinical significance of this variant cannot be determined with certainty at this time although we would lean towards a more benign role for this variant. This variant is classified as likely benign.

Literature cited by the submitters: PubMed 26580448 (cited by 4 submitters); PubMed 28502729 (cited by 5 submitters); PubMed 28944238 (cited by 5 submitters); PubMed 30680046 (cited by 4 submitters); PubMed 27705013 (cited by 5 submitters); PubMed 26207792 (cited by 4 submitters).